The following is an entry in ClinVar:

ClinVar aggregate classification (germline): Likely pathogenic (1 of 4 stars; one submission).

Conditions:
2-aminoadipic 2-oxoadipic aciduria (AAKAD). Also called: Aminoadipic aciduria; ALPHA-AMINOADIPIC AND ALPHA-KETOADIPIC ACIDURIA. Identifiers: Orphanet 79154, MedGen C1859817, MONDO:0008774, OMIM 204750.

Submission:

Juno Genomics, Hangzhou Juno Genomics, Inc
Classification: Likely pathogenic for 2-aminoadipic 2-oxoadipic aciduria. Review status: criteria provided, single submitter. Criteria: ACMG Guidelines, 2015. Collection method: clinical testing. Allele origin: germline. Affected: yes.
Comment: Absent from controls (or at extremely low frequency if recessive) in Genome Aggregation Database.;Null variant in a gene where loss of function (LOF) is a known mechanism of disease.

NM_018706.7(DHTKD1):c.675_678del (p.Gly225_Arg226insTer)

Gene: DHTKD1 (dehydrogenase E1 and transketolase domain containing 1; plus strand). Cytogenetic location: 10p14.
Variant type: Microsatellite.
Coding change: c.675_678del on transcript NM_018706.7 (MANE Select); coding-DNA positions 675 to 678, 4 bases deleted (GAGG; older notation c.675_678delGAGG).
Protein change: p.Gly225_Arg226insTer.
Molecular consequence: frameshift variant.
Genome position (GRCh38, 1-based): chr10:12,087,687-12,087,690, GAGG deleted; deleting any 4 consecutive bases within chr10:12,087,683-12,087,690 gives the same sequence; the c. name uses the placement nearest the transcript's 3' end. VCF-style (leftmost placement, unchanged base first): chr10-12087682-AGAGG-A. GRCh37 (hg19) VCF-style: chr10-12129681-AGAGG-A.
Identifiers: ClinVar variation 5018860 (VCV005018860.1).